The following is an entry in ClinVar:

NM_001363711.2(DUOX2):c.1783A>G (p.Ser595Gly)

Gene: DUOX2 (dual oxidase 2; minus strand). Cytogenetic location: 15q21.1.
Variant type: single nucleotide variant.
Coding change: c.1783A>G on transcript NM_001363711.2 (MANE Select); coding-DNA position 1783, A replaced by G.
Protein change: p.Ser595Gly; replaces serine 595 with glycine.
Molecular consequence: missense variant.
Genome position (GRCh38, 1-based): chr15:45,106,880, T>C on the plus strand (A>G on the coding strand, the complement: DUOX2 is on the minus strand). VCF-style: chr15-45106880-T-C. GRCh37 (hg19) VCF-style: chr15-45399078-T-C.
Other names: c.1783A>G, p.Ser595Gly (NM_014080.5); short protein forms S595G.
Identifiers: ClinVar variation 1447525 (VCV001447525.6), dbSNP rs2141152066, ClinGen allele CA392274274.

ClinVar aggregate classification (germline): Uncertain significance (1 of 4 stars; one submission).

Submission:

Labcorp Genetics (formerly Invitae), Labcorp
Classification: Uncertain significance. Last evaluated: 2022-06-13. Review status: criteria provided, single submitter. Criteria: Invitae Variant Classification Sherloc (09022015). Collection method: clinical testing. Allele origin: germline.
Comment: This sequence change replaces serine, which is neutral and polar, with glycine, which is neutral and non-polar, at codon 595 of the DUOX2 protein (p.Ser595Gly). This variant is not present in population databases (gnomAD no frequency). This variant has not been reported in the literature in individuals affected with DUOX2-related conditions. Advanced modeling of protein sequence and biophysical properties (such as structural, functional, and spatial information, amino acid conservation, physicochemical variation, residue mobility, and thermodynamic stability) performed at Invitae indicates that this missense variant is not expected to disrupt DUOX2 protein function. In summary, the available evidence is currently insufficient to determine the role of this variant in disease. Therefore, it has been classified as a Variant of Uncertain Significance.